The following is an entry in ClinVar:

ClinVar aggregate classification (germline): Uncertain significance (1 of 4 stars; one submission).

Allele frequency attached by ClinVar (database versions not stated): gnomAD exomes below 0.00001.
gnomAD v4.1: 1 of 1,211,592 alleles (0.000083%); highest among the groups gnomAD compares: South Asian, 0.0018%; no homozygotes.

Submission:

GeneDx
Classification: Uncertain significance. Last evaluated: 2016-12-05. Review status: criteria provided, single submitter. Criteria: GeneDx Variant Classification (06012015). Collection method: clinical testing. Allele origin: germline. Affected: yes.
Comment: The Q13E variant in the ZBTB33 gene has not been reported previously as a pathogenic variant, nor as a benign variant, to our knowledge. The Q13E variant was not observed in approximately 6500 individuals of European and African American ancestry in the NHLBI Exome Sequencing Project, indicating it is not a common benign variant in these populations. The Q13E variant is a semi-conservative amino acid substitution, which may impact secondary protein structure as these residues differ in some properties. In addition, this substitution occurs at a position that is conserved across species. However, in silico analysis is inconsistent in its predictions as to whether or not the variant is damaging to the protein structure/function. We interpret Q13E as a variant of uncertain significance.

NM_001184742.2(ZBTB33):c.37C>G (p.Gln13Glu)

Genes: TMEM255A (transmembrane protein 255A; minus strand), ZBTB33 (zinc finger and BTB domain containing 33; plus strand). Cytogenetic location: Xq24.
Variant type: single nucleotide variant.
Coding change: c.37C>G on transcript NM_001184742.2 (MANE Select); coding-DNA position 37, C replaced by G.
Protein change: p.Gln13Glu; replaces glutamine 13 with glutamic acid.
Molecular consequence: missense variant.
Genome position (GRCh38, 1-based): chrX:120,253,452, C>G. VCF-style: chrX-120253452-C-G. GRCh37 (hg19) VCF-style: chrX-119387307-C-G.
Other names: c.37C>G, p.Gln13Glu (NM_006777.4); short protein forms Q13E.
Identifiers: ClinVar variation 373722 (VCV000373722.1), dbSNP rs1057518570, ClinGen allele CA16043169.